The following is an entry in ClinVar:

NM_001875.5(CPS1):c.1781_1782del (p.Gly594fs)

Gene: CPS1 (carbamoyl-phosphate synthase 1; plus strand). Cytogenetic location: 2q34.
Variant type: Deletion.
Coding change: c.1781_1782del on transcript NM_001875.5 (MANE Select); coding-DNA positions 1781 to 1782, 2 bases deleted (GG; older notation c.1781_1782delGG).
Protein change: p.Gly594fs; shifts the reading frame from glycine 594.
Molecular consequence: frameshift variant. On other transcripts: non-coding transcript variant (2).
Genome position (GRCh38, 1-based): chr2:210,602,275-210,602,276, GG deleted; deleting any 2 consecutive bases within chr2:210,602,274-210,602,276 gives the same sequence; the c. name uses the placement nearest the transcript's 3' end. VCF-style (leftmost placement, unchanged base first): chr2-210602273-TGG-T. GRCh37 (hg19) VCF-style: chr2-211466997-TGG-T.
Other names: c.1781_1782del, p.Gly594fs (NM_001122633.3, NM_001369257.1); c.1814_1815del, p.Gly605fs (NM_001369256.1); short protein forms G594fs, G605fs.
Identifiers: ClinVar variation 1726845 (VCV001726845.2), dbSNP rs2469155866, ClinGen allele CA2580065562.

ClinVar aggregate classification (germline): Likely pathogenic (1 of 4 stars; one submission).

Conditions:
Congenital hyperammonemia, type I. Also called: Carbamoyl phosphate synthetase I deficiency disease; CPS I DEFICIENCY; Carbamoyl phosphate synthetase 1 deficiency; Hyperammonemia due to carbamoyl phosphate synthetase 1 deficiency; CPS 1 deficiency; Carbamyl phosphate synthetase (CPS) deficiency. Identifiers: Orphanet 147, MedGen C4082171, MONDO:0009376, OMIM 237300.

Submission:

Myriad Genetics, Inc.
Classification: Likely pathogenic for Congenital hyperammonemia, type I. Last evaluated: 2022-01-02. Review status: criteria provided, single submitter. Criteria: Myriad Women's Health Autosomal Recessive and X-Linked Classification Criteria (2021). Collection method: clinical testing. Allele origin: unknown.
Comment: NM_001875.4(CPS1):c.1781_1782delGG(G594Vfs*41) is expected to be pathogenic in the context of carbamoylphosphate synthetase I deficiency. This variant is predicted to lead to an abnormal or absent protein product due to the creation of a premature termination codon in CPS1, a gene where loss-of-function variants are known to be pathogenic. Please note: this variant was assessed in the context of healthy population screening.